The following is an entry in ClinVar:

ClinVar aggregate classification (germline): Uncertain significance (1 of 4 stars; one submission).

Submission:

GeneDx
Classification: Uncertain significance. Last evaluated: 2022-07-06. Review status: criteria provided, single submitter. Criteria: GeneDx Variant Classification Process June 2021. Collection method: clinical testing. Allele origin: germline. Affected: yes.
Comment: Not observed at significant frequency in large population cohorts (gnomAD); In silico analysis supports that this missense variant has a deleterious effect on protein structure/function; Has not been previously published as pathogenic or benign to our knowledge

NM_001134831.2(AHI1):c.569A>G (p.Gln190Arg)

Gene: AHI1 (Abelson helper integration site 1; minus strand). Cytogenetic location: 6q23.3.
Variant type: single nucleotide variant.
Coding change: c.569A>G on transcript NM_001134831.2 (MANE Select); coding-DNA position 569, A replaced by G.
Protein change: p.Gln190Arg; replaces glutamine 190 with arginine.
Molecular consequence: missense variant.
Genome position (GRCh38, 1-based): chr6:135,465,994, T>C on the plus strand (A>G on the coding strand, the complement: AHI1 is on the minus strand). VCF-style: chr6-135465994-T-C. GRCh37 (hg19) VCF-style: chr6-135787132-T-C.
Other names: c.569A>G, p.Gln190Arg (NM_001134830.2, NM_001134832.2, NM_001350503.2 and 2 more transcripts); short protein forms Q190R.
Identifiers: ClinVar variation 1810590 (VCV001810590.1), dbSNP rs2485013903, ClinGen allele CA365751255.